The following is an entry in ClinVar:

NM_001128148.3(TFRC):c.2186C>T (p.Thr729Met)

Gene: TFRC (transferrin receptor; minus strand). Cytogenetic location: 3q29.
Variant type: single nucleotide variant.
Coding change: c.2186C>T on transcript NM_001128148.3 (MANE Select); coding-DNA position 2186, C replaced by T.
Protein change: p.Thr729Met; replaces threonine 729 with methionine.
Molecular consequence: missense variant.
Genome position (GRCh38, 1-based): chr3:196,052,039, G>A on the plus strand (C>T on the coding strand, the complement: TFRC is on the minus strand). VCF-style: chr3-196052039-G-A. GRCh37 (hg19) VCF-style: chr3-195778910-G-A.
Other names: c.1943C>T, p.Thr648Met (NM_001313965.2); c.1340C>T, p.Thr447Met (NM_001313966.2); c.2186C>T, p.Thr729Met (NM_003234.4); short protein forms T447M, T648M, T729M.
Identifiers: ClinVar variation 1031313 (VCV001031313.7), dbSNP rs202242239, ClinGen allele CA2777688.
Genomic context (GRCh38, chr3:196,052,039, plus strand): 5'-AGGGCATTTGCAGCTCCCTGAATAGTCCAAGTAGCTAGAGCCAACTGGTTTCTGAACAGC[G>A]TTTCATTAAAAGCACCGTTATTTTGTTTACGCAGTTTCAAGTTCTCCAGTAAAGCTGGCA-3'
Protein context (NP_001121620.1, residues 719-739): RKQNNGAFNE[Thr729Met]LFRNQLALAT

ClinVar aggregate classification (germline): Conflicting classifications of pathogenicity. Review status: criteria provided, conflicting classifications (1 of 4 stars). 3 submissions from 3 submitters: Uncertain significance (2); Likely benign (1). Last evaluated 2025-07-21.

Conditions:
TFRC-related combined immunodeficiency. Also called: Immunodeficiency 46. Identifiers: Orphanet 476113, MedGen C5568133, MONDO:0014760, OMIM 616740.

Allele frequency attached by ClinVar (database versions not stated): ESP Exome Variant Server 0.00008; gnomAD exomes 0.00012 and 0.00025; gnomAD 0.00013; TOPMed 0.00014; ExAC 0.00019.
gnomAD v4.1: 189 of 1,614,010 alleles (0.012%); highest among the groups gnomAD compares: Admixed American, 0.098%; 1 homozygote.

Submissions (3):

Labcorp Genetics (formerly Invitae), Labcorp
Classification: Uncertain significance. Last evaluated: 2025-07-21. Review status: criteria provided, single submitter. Criteria: Invitae Variant Classification Sherloc (09022015). Collection method: clinical testing. Allele origin: germline.
Comment: This sequence change replaces threonine, which is neutral and polar, with methionine, which is neutral and non-polar, at codon 729 of the TFRC protein (p.Thr729Met). This variant is present in population databases (rs202242239, gnomAD 0.1%), and has an allele count higher than expected for a pathogenic variant. This variant has not been reported in the literature in individuals affected with TFRC-related conditions. ClinVar contains an entry for this variant (Variation ID: 1031313). Invitae Evidence Modeling of protein sequence and biophysical properties (such as structural, functional, and spatial information, amino acid conservation, physicochemical variation, residue mobility, and thermodynamic stability) indicates that this missense variant is not expected to disrupt TFRC protein function with a negative predictive value of 80%. In summary, the available evidence is currently insufficient to determine the role of this variant in disease. Therefore, it has been classified as a Variant of Uncertain Significance.

Blueprint Genetics
Classification: Likely benign. Last evaluated: 2024-07-05. Review status: criteria provided, single submitter. Criteria: ACMG Guidelines, 2015. Collection method: clinical testing. Allele origin: germline.

Baylor Genetics
Classification: Uncertain significance for TFRC-related combined immunodeficiency. Last evaluated: 2018-11-26. Review status: criteria provided, single submitter. Criteria: ACMG Guidelines, 2015. Collection method: clinical testing. Allele origin: paternal. Affected: yes.
Comment: This variant was determined to be of uncertain significance according to ACMG Guidelines, 2015 [PMID:25741868].